The following is an entry in ClinVar:

NM_004385.5(VCAN):c.1453G>C (p.Glu485Gln)

Gene: VCAN (versican; plus strand). Cytogenetic location: 5q14.3.
Variant type: single nucleotide variant.
Coding change: c.1453G>C on transcript NM_004385.5 (MANE Select); coding-DNA position 1453, G replaced by C.
Protein change: p.Glu485Gln; replaces glutamic acid 485 with glutamine.
Molecular consequence: missense variant. On other transcripts: intron variant (2).
Genome position (GRCh38, 1-based): chr5:83,519,759, G>C. VCF-style: chr5-83519759-G-C. GRCh37 (hg19) VCF-style: chr5-82815578-G-C.
Other names: c.1453G>C, p.Glu485Gln (NM_001164098.2); c.1042+7363G>C (NM_001164097.2, NM_001126336.3); short protein forms E485Q.
Identifiers: ClinVar variation 1467573 (VCV001467573.8), dbSNP rs2112407260, ClinGen allele CA360300311.

ClinVar aggregate classification (germline): Uncertain significance (1 of 4 stars; one submission).

gnomAD v4.1: 1 of 1,614,128 alleles (0.000062%); highest among the groups gnomAD compares: Non-Finnish European, 0.000085%; no homozygotes.

Submission:

Labcorp Genetics (formerly Invitae), Labcorp
Classification: Uncertain significance. Last evaluated: 2022-10-26. Review status: criteria provided, single submitter. Criteria: Invitae Variant Classification Sherloc (09022015). Collection method: clinical testing. Allele origin: germline.
Comment: In summary, the available evidence is currently insufficient to determine the role of this variant in disease. Therefore, it has been classified as a Variant of Uncertain Significance. Algorithms developed to predict the effect of missense changes on protein structure and function output the following: SIFT: "Tolerated"; PolyPhen-2: "Benign"; Align-GVGD: "Class C0". The glutamine amino acid residue is found in multiple mammalian species, which suggests that this missense change does not adversely affect protein function. ClinVar contains an entry for this variant (Variation ID: 1467573). This variant has not been reported in the literature in individuals affected with VCAN-related conditions. This variant is not present in population databases (gnomAD no frequency). This sequence change replaces glutamic acid, which is acidic and polar, with glutamine, which is neutral and polar, at codon 485 of the VCAN protein (p.Glu485Gln).